The following is an entry in ClinVar:

ClinVar aggregate classification (germline): Uncertain significance (1 of 4 stars; one submission).

Allele frequency attached by ClinVar (database versions not stated): gnomAD exomes 0.00001; TOPMed 0.00001.
gnomAD v4.1: 8 of 1,614,008 alleles (0.0005%); highest among the groups gnomAD compares: East Asian, 0.0022%; no homozygotes.

Submission:

Ambry Genetics
Classification: Uncertain significance. Last evaluated: 2023-11-20. Review status: criteria provided, single submitter. Criteria: Ambry Variant Classification Scheme 2023. Collection method: clinical testing. Allele origin: germline.
Comment: The p.P1351L variant (also known as c.4052C>T), located in coding exon 37 of the KIF1B gene, results from a C to T substitution at nucleotide position 4052. The proline at codon 1351 is replaced by leucine, an amino acid with similar properties. This amino acid position is highly conserved in available vertebrate species. In addition, this alteration is predicted to be deleterious by in silico analysis. The evidence for this gene-disease relationship is limited; therefore, the clinical significance of this alteration is unclear.

Literature cited by the submitters: PubMed 32565791.

NM_001365951.3(KIF1B):c.4190C>T (p.Pro1397Leu)

Gene: KIF1B (kinesin family member 1B; plus strand). Cytogenetic location: 1p36.22.
Variant type: single nucleotide variant.
Coding change: c.4190C>T on transcript NM_001365951.3 (MANE Select); coding-DNA position 4190, C replaced by T.
Protein change: p.Pro1397Leu; replaces proline 1397 with leucine.
Molecular consequence: missense variant.
Genome position (GRCh38, 1-based): chr1:10,361,711, C>T. VCF-style: chr1-10361711-C-T. GRCh37 (hg19) VCF-style: chr1-10421769-C-T.
Other names: c.4190C>T, p.Pro1397Leu (NM_001365952.1); c.4052C>T, p.Pro1351Leu (NM_015074.3); short protein forms P1351L, P1397L.
Identifiers: ClinVar variation 1737379 (VCV001737379.2), dbSNP rs1161161480, ClinGen allele CA338317056.